The following is an entry in ClinVar:

NM_014516.4(CNOT3):c.387+1G>A

Gene: CNOT3 (CCR4-NOT transcription complex subunit 3; plus strand). Cytogenetic location: 19q13.42.
Variant type: single nucleotide variant.
Coding change: c.387+1G>A on transcript NM_014516.4 (MANE Select); the canonical splice donor site of the intron after coding-DNA position 387, G replaced by A.
Molecular consequence: splice donor variant.
Genome position (GRCh38, 1-based): chr19:54,144,135, G>A. VCF-style: chr19-54144135-G-A. GRCh37 (hg19) VCF-style: chr19-54647871-G-A.
Identifiers: ClinVar variation 3387824 (VCV003387824.1).
Genomic context (GRCh38, chr19:54,144,135, plus strand): 5'-CTGGCCCAGAAGGTAGATCCTGCCCAGAAGGAGAAGGAAGAGGTTGGCCAGTGGCTCACG[G>A]TGAGTTGGGGTAGAGAAGAGGAGGTGAACTCTGAGGATCCTGAGCCCTGGGTGTAGGCGG-3'

ClinVar aggregate classification (germline): Pathogenic (1 of 4 stars; one submission).

Conditions:
Intellectual developmental disorder with speech delay, autism, and dysmorphic facies. Identifiers: MedGen C5231456, MONDO:0032864, OMIM 618672.

Submission:

Cytogenetique et Genetique Moleculaire, CHU Besancon
Classification: Pathogenic for Intellectual developmental disorder with speech delay, autism, and dysmorphic facies. Last evaluated: 2023-08-13. Review status: criteria provided, single submitter. Criteria: ACMG Guidelines, 2015. Collection method: clinical testing. Allele origin: germline. Affected: yes.
Comment: The NM_014516.4:c.387+1G>A variant is an intronic variant in CNOT3 which is predicted to result in a alteration of consensus splice site (Spip and Splice AI), and likely results in an absent or disrupted protein product (PVS1). This variant is not present in gnomAD (PM2; v4.1.0). In summary, this variant meets criteria to be classified as pathogenic for CNOT3-related neurodevelopmental disorders based on the ACMG/AMP criteria applied (PVS1 PM2 PM6).